The following is an entry in ClinVar:

NM_005609.4(PYGM):c.1354_1355delinsAT (p.Ala452Ile)

Gene: PYGM (glycogen phosphorylase, muscle associated; minus strand). Cytogenetic location: 11q13.1.
Variant type: Indel.
Coding change: c.1354_1355delinsAT on transcript NM_005609.4 (MANE Select); coding-DNA positions 1354 to 1355, GC replaced by AT.
Protein change: p.Ala452Ile; replaces alanine 452 with isoleucine.
Molecular consequence: missense variant.
Genome position (GRCh38, 1-based): chr11:64,753,567-64,753,568, GC replaced by AT on the plus strand (GC replaced by AT on the coding strand, the reverse complement: PYGM is on the minus strand). VCF-style: chr11-64753567-GC-AT. GRCh37 (hg19) VCF-style: chr11-64521039-GC-AT.
Other names: c.1090_1091delinsAT, p.Ala364Ile (NM_001164716.1); short protein forms A452I, A364I.
Identifiers: ClinVar variation 1896720 (VCV001896720.2), dbSNP rs2496656917, ClinGen allele CA2580084651.

ClinVar aggregate classification (germline): Uncertain significance (1 of 4 stars; one submission).

Conditions:
Glycogen storage disease, type V (GSD5). Also called: MCARDLE DISEASE; MUSCLE GLYCOGEN PHOSPHORYLASE DEFICIENCY; MYOPHOSPHORYLASE DEFICIENCY; PYGM DEFICIENCY; McArdle type glycogen storage disease. Identifiers: Orphanet 368, MedGen C0017924, MONDO:0009293, OMIM 232600.

Submission:

Labcorp Genetics (formerly Invitae), Labcorp
Classification: Uncertain significance for Glycogen storage disease, type V. Last evaluated: 2022-07-01. Review status: criteria provided, single submitter. Criteria: Invitae Variant Classification Sherloc (09022015). Collection method: clinical testing. Allele origin: germline.
Comment: This sequence change replaces alanine, which is neutral and non-polar, with isoleucine, which is neutral and non-polar, at codon 452 of the PYGM protein (p.Ala452Ile). Information on the frequency of this variant in the gnomAD database is not available, as this variant may be reported differently in the database. This variant has not been reported in the literature in individuals affected with PYGM-related conditions. Algorithms developed to predict the effect of missense changes on protein structure and function are either unavailable or do not agree on the potential impact of this missense change (SIFT: "Not Available"; PolyPhen-2: "Possibly Damaging"; Align-GVGD: "Not Available"). In summary, the available evidence is currently insufficient to determine the role of this variant in disease. Therefore, it has been classified as a Variant of Uncertain Significance.